The following is an entry in ClinVar:

NM_007194.4(CHEK2):c.444+1G>T

Gene: CHEK2 (checkpoint kinase 2; minus strand). Cytogenetic location: 22q12.1.
Variant type: single nucleotide variant.
Coding change: c.444+1G>T on transcript NM_007194.4 (MANE Select); the canonical splice donor site of the intron after coding-DNA position 444, G replaced by T.
Molecular consequence: splice donor variant.
Genome position (GRCh38, 1-based): chr22:28,725,242, C>A on the plus strand (G>T on the coding strand, the complement: CHEK2 is on the minus strand). VCF-style: chr22-28725242-C-A. GRCh37 (hg19) VCF-style: chr22-29121230-C-A.
Other names: chr22:29,121,230C>A; c.-220+1G>T (NM_001437942.1); c.444+1G>T (NM_001349956.3, NM_145862.3); c.-334+1G>T (NM_001257387.3); c.537+1G>T (NM_001438295.1, NM_001438293.1); c.573+1G>T (NM_001438294.1, NM_001005735.3).
Identifiers: ClinVar variation 126914 (VCV000126914.24), dbSNP rs121908698, ClinGen allele CA230689.
Genomic context (GRCh38, chr22:28,725,242, plus strand): 5'-ATATCTAAAAACAATGACCAAATTACCAGCTCTCCTAGATACATGGGTATTCATTACCTA[C>A]CCTGAAAATCCGAAAGTGTTTCTTGCTGTATGTTCGGTATTTATCTGTTCTTTTCAGCAG-3'

ClinVar aggregate classification (germline): Pathogenic/Likely pathogenic. Review status: criteria provided, multiple submitters, no conflicts (2 of 4 stars). 9 submissions from 9 submitters: Pathogenic (4); Likely pathogenic (3). 2 of the submissions do not count toward it. Last evaluated 2025-08-25.

Conditions:
CHEK2-related cancer predisposition (TPDS4). Also called: TUMOR PREDISPOSITION SYNDROME 4; CANCER PREDISPOSITION SYNDROME, CHEK2-RELATED; CHEK2-related cancer susceptibility. Identifiers: Orphanet 524, MedGen C5882668, MONDO:0700271, OMIM 609265.
Bone osteosarcoma. Also called: Osteosarcoma, somatic. Identifiers: Orphanet 668, MedGen C0585442, MONDO:0002629, OMIM 259500.
Familial prostate cancer. Also called: Hereditary Prostate Cancer. Identifiers: MedGen C2931456, MONDO:0700275, OMIM 176807.
Hereditary cancer-predisposing syndrome. Also called: Neoplastic Syndromes, Hereditary; Hereditary neoplastic syndrome; Hereditary Cancer Syndrome; Tumor predisposition. Identifiers: Orphanet 140162, MedGen C0027672, MeSH D009386, MONDO:0015356.
Familial cancer of breast. Also called: BREAST CANCER, FAMILIAL; hereditary breast carcinoma; Hereditary breast cancer. Identifiers: Orphanet 227535, MedGen C0346153, MONDO:0016419, OMIM 114480. Disease mechanism: loss of function.

Submissions (9):

Labcorp Genetics (formerly Invitae), Labcorp
Classification: Pathogenic for Familial cancer of breast. Last evaluated: 2025-08-25. Review status: criteria provided, single submitter. Criteria: Invitae Variant Classification Sherloc (09022015). Collection method: clinical testing. Allele origin: germline.
Comment: This sequence change affects a donor splice site in intron 3 of the CHEK2 gene. RNA analysis indicates that disruption of this splice site induces altered splicing and may result in an absent or altered protein product. This variant is present in population databases (rs121908698, gnomAD 0.0009%). Disruption of this splice site has been observed in individual(s) with non-Hodgkin lymphoma or breast cancer (PMID: 18058223, 26506619). This variant is also known as IVS2+1G>T. ClinVar contains an entry for this variant (Variation ID: 126914). Studies have shown that disruption of this splice site results in activation of cryptic splice sites, and produces a non-functional protein and/or introduces a premature termination codon (PMID: 26506619; internal data). For these reasons, this variant has been classified as Pathogenic.

Ambry Genetics
Classification: Likely pathogenic for Hereditary cancer-predisposing syndrome. Last evaluated: 2025-07-31. Review status: criteria provided, single submitter. Criteria: Ambry Variant Classification Scheme 2023. Collection method: clinical testing. Allele origin: germline.
Comment: The c.444+1G>T intronic variant results from a G to T substitution one nucleotide after coding exon 2 of the CHEK2 gene. This alteration was reported in 1/673 unselected Czech breast cancer probands and was not identified in 683 matched controls (Kleibl Z et al. Breast Cancer Res. Treat. 2008 Nov;112(1):159-64). It has also been identified in a patient with non-Hodgkin lymphoma (Havranek O et al. PLoS ONE 2015 Oct;10(10):e0140819). This nucleotide position is highly conserved in available vertebrate species. In silico splice site analysis predicts that this alteration will weaken the native splice donor site and will result in the creation or strengthening of a novel splice donor site. RNA studies have shown that this alteration leads to a translational frameshift with a resultant premature stop codon (Ambry internal data; Havranek O et al. PLoS ONE 2015 Oct;10(10):e0140819). This variant is considered to be rare based on population cohorts in the Genome Aggregation Database (gnomAD). Of note, this alteration is also designated as IVS2+1G>T in published literature. Alterations that disrupt the canonical splice site are expected to cause aberrant splicing, resulting in an abnormal protein or a transcript that is subject to nonsense-mediated mRNA decay. Based on the majority of available evidence to date, this variant is likely to be pathogenic.

Molecular Pathology, Peter Maccallum Cancer Centre
Classification: Likely pathogenic for Familial cancer of breast. Last evaluated: 2025-03-28. Review status: criteria provided, single submitter. Criteria: ACMG Guidelines, 2015. Collection method: clinical testing. Allele origin: germline. Inheritance: Autosomal dominant inheritance.

Department of Pathology and Laboratory Medicine, Sinai Health System
Classification: Pathogenic for Familial prostate cancer; Bone osteosarcoma; CHEK2-related cancer predisposition. Last evaluated: 2023-04-18. Review status: criteria provided, single submitter. Criteria: ACMG Guidelines, 2015. Collection method: clinical testing. Allele origin: germline. Affected: no.

Myriad Genetics, Inc.
Classification: Likely pathogenic for Familial cancer of breast. Last evaluated: 2023-03-09. Review status: criteria provided, single submitter. Criteria: Myriad Autosomal Dominant, Autosomal Recessive and X-Linked Classification Criteria (2023). Collection method: clinical testing. Allele origin: unknown.
Comment: This variant is considered likely pathogenic. This variant occurs within a consensus splice junction and is predicted to result in abnormal mRNA splicing of either an out-of-frame exon or an in-frame exon necessary for protein stability and/or normal function.

MGZ Medical Genetics Center
Classification: Pathogenic for Familial cancer of breast. Last evaluated: 2021-09-08. Review status: criteria provided, single submitter. Criteria: ACMG Guidelines, 2015. Collection method: clinical testing. Allele origin: germline. Affected: yes. Observed: 1 variant allele.
Comment: ACMG criteria applied: PVS1, PS3_MOD, PS4_MOD, PM2_SUP, PP1

GeneDx
Classification: Pathogenic. Last evaluated: 2016-01-06. Review status: criteria provided, single submitter. Criteria: GeneDx Variant Classification (06012015). Collection method: clinical testing. Allele origin: germline. Affected: yes.
Comment: This variant is denoted CHEK2 c.444+1G>T or IVS3+1G>T and consists of a G>T nucleotide substitution at the +1 position of intron 3 of the CHEK2 gene. This variant destroys a canonical splice donor site and is predicted to cause abnormal gene splicing, leading to either an abnormal message that is subject to nonsense-mediated mRNA decay or to an abnormal protein product. This variant, previously reported as IVS2+1G>T, has been observed in association with breast cancer (Kleibl 2008) and a different substitution at the same position, c.444+1G>A, is a Polish founder variant (Cybulski 2004). Based on the current evidence, we consider this variant to be pathogenic.

Counsyl
Classification: Likely pathogenic for Familial cancer of breast. Last evaluated: 2017-03-15. Review status: no assertion criteria provided. Collection method: clinical testing. Allele origin: unknown. Not counted in ClinVar's aggregate classification.

Institute. of Biochemistry and Experimental Oncology, First Faculty of Medicine, Charles University in Prague
No classification provided. Review status: no classification provided. Collection method: not provided. Allele origin: germline. Not counted in ClinVar's aggregate classification.
Comment: Characterized in 1 out of 673 breast cancer patients, 2 out of 631 colorectal cancer patients, 1 out of 259 pancreatic cancer patients and 1 out of 340 Non-Hodgkin lymphoma patients

Literature cited by the submitters: PubMed 18058223 (cited by 3 submitters); PubMed 26506619 (cited by 3 submitters); PubMed 21876083 (cited by Ambry Genetics); PubMed 25525159 (cited by Counsyl).